The following is an entry in ClinVar:

NM_201596.3(CACNB2):c.1727_1756del (p.His576_His585del)

Gene: CACNB2 (calcium voltage-gated channel auxiliary subunit beta 2; plus strand). Cytogenetic location: 10p12.31.
Variant type: Deletion.
Coding change: c.1727_1756del on transcript NM_201596.3 (MANE Select); coding-DNA positions 1727 to 1756, 30 bases deleted (ATGACCACGTGGACCACTATGCCTCACACC).
Protein change: p.His576_His585del.
Molecular consequence: inframe deletion. On other transcripts: inframe indel (1).
Genome position (GRCh38, 1-based): chr10:18,539,468-18,539,497, ATGACCACGTGGACCACTATGCCTCACACC deleted; deleting any 30 consecutive bases within chr10:18,539,466-18,539,497 gives the same sequence; the c. name uses the placement nearest the transcript's 3' end. VCF-style (leftmost placement, unchanged base first): chr10-18539465-CCCATGACCACGTGGACCACTATGCCTCACA-C. GRCh37 (hg19) VCF-style: chr10-18828394-CCCATGACCACGTGGACCACTATGCCTCACA-C.
Other names: c.1562_1591del, p.His521_His530del (NM_000724.4); c.1529_1558del, p.His510_His519del (NM_001167945.2); c.1448_1477del, p.His483_His492del (NM_001330060.2); c.1469_1498del30, p.His490_His499del (NM_001410882.1); c.1583_1612del, p.His528_His537del (NM_201570.3); c.1643_1672del, p.His548_His557del (NM_201571.4); c.1571_1600del, p.His524_His533del (NM_201572.4); c.1565_1594del, p.His522_His531del (NM_201590.3); and 2 more.
Identifiers: ClinVar variation 2025995 (VCV002025995.4), dbSNP rs1189218765, ClinGen allele CA592060484.

ClinVar aggregate classification (germline): Uncertain significance (1 of 4 stars; one submission).

Conditions:
Brugada syndrome 4 (BRGDA4). Identifiers: Orphanet 130, MedGen C2678477, MONDO:0012743, OMIM 611876.

Submission:

Labcorp Genetics (formerly Invitae), Labcorp
Classification: Uncertain significance for Brugada syndrome 4. Last evaluated: 2022-11-08. Review status: criteria provided, single submitter. Criteria: Invitae Variant Classification Sherloc (09022015). Collection method: clinical testing. Allele origin: germline.
Comment: This variant is present in population databases (no rsID available, gnomAD 0.003%). This variant, c.1565_1594del, results in the deletion of 10 amino acid(s) of the CACNB2 protein (p.His522_His531del), but otherwise preserves the integrity of the reading frame. This variant has not been reported in the literature in individuals affected with CACNB2-related conditions. In summary, the available evidence is currently insufficient to determine the role of this variant in disease. Therefore, it has been classified as a Variant of Uncertain Significance. Experimental studies and prediction algorithms are not available or were not evaluated, and the functional significance of this variant is currently unknown.